The following is an entry in ClinVar:

NM_000081.4(LYST):c.5491C>G (p.Gln1831Glu)

Gene: LYST (lysosomal trafficking regulator; minus strand). Cytogenetic location: 1q42.3.
Variant type: single nucleotide variant.
Coding change: c.5491C>G on transcript NM_000081.4 (MANE Select); coding-DNA position 5491, C replaced by G.
Protein change: p.Gln1831Glu; replaces glutamine 1831 with glutamic acid.
Molecular consequence: missense variant.
Genome position (GRCh38, 1-based): chr1:235,775,056, G>C on the plus strand (C>G on the coding strand, the complement: LYST is on the minus strand). VCF-style: chr1-235775056-G-C. GRCh37 (hg19) VCF-style: chr1-235938356-G-C.
Other names: c.5491C>G, p.Gln1831Glu (NM_001301365.1); short protein forms Q1831E.
Identifiers: ClinVar variation 864800 (VCV000864800.1), dbSNP rs2527973482, ClinGen allele CA344951869.

ClinVar aggregate classification (germline): Uncertain significance (1 of 4 stars; one submission).

Conditions:
Chédiak-Higashi syndrome (CHS). Also called: Chediak-Higashi Syndrome. Identifiers: Orphanet 167, MedGen C0007965, MONDO:0008963, OMIM 214500.

Submission:

Labcorp Genetics (formerly Invitae), Labcorp
Classification: Uncertain significance for ChÃ©diak-Higashi syndrome. Last evaluated: 2019-02-26. Review status: criteria provided, single submitter. Criteria: Invitae Variant Classification Sherloc (09022015). Collection method: clinical testing. Allele origin: germline.
Comment: This sequence change replaces glutamine with glutamic acid at codon 1831 of the LYST protein (p.Gln1831Glu). The glutamine residue is highly conserved and there is a small physicochemical difference between glutamine and glutamic acid. This variant is not present in population databases (ExAC no frequency). This variant has not been reported in the literature in individuals with LYST-related conditions. Algorithms developed to predict the effect of missense changes on protein structure and function are either unavailable or do not agree on the potential impact of this missense change (SIFT: "Tolerated"; PolyPhen-2: "Probably Damaging"; Align-GVGD: "Class C0"). In summary, the available evidence is currently insufficient to determine the role of this variant in disease. Therefore, it has been classified as a Variant of Uncertain Significance.